The following is an entry in ClinVar:

NM_001080512.3(BICC1):c.1859G>A (p.Gly620Asp)

Gene: BICC1 (BicC family RNA binding protein 1; plus strand). Cytogenetic location: 10q21.1.
Variant type: single nucleotide variant.
Coding change: c.1859G>A on transcript NM_001080512.3 (MANE Select); coding-DNA position 1859, G replaced by A.
Protein change: p.Gly620Asp; replaces glycine 620 with aspartic acid.
Molecular consequence: missense variant.
Genome position (GRCh38, 1-based): chr10:58,800,890, G>A. VCF-style: chr10-58800890-G-A. GRCh37 (hg19) VCF-style: chr10-60560650-G-A.
Other names: c.1859G>A (NM_001080512.1); short protein forms G620D.
Identifiers: ClinVar variation 2397980 (VCV002397980.8), dbSNP rs770410935, ClinGen allele CA5508635.
Genomic context (GRCh38, chr10:58,800,890, plus strand): 5'-TTGTCAACTGGAAGGTGATGTTGTTTAGGTGTTTCACTTTTTTTTCCTTTTCCTCTGCAG[G>A]TTGTAATGATGCTTTTGTTGAAGTAGGCATGCCTCGAAGTCCTTCCCATTCTGGGAATGC-3'
Protein context (NP_001073981.1, residues 610-630): QTSPKSSPTE[Gly620Asp]CNDAFVEVGM

ClinVar aggregate classification (germline): Uncertain significance. Review status: criteria provided, multiple submitters, no conflicts (2 of 4 stars). 2 submissions from 2 submitters: Uncertain significance (2). Last evaluated 2024-06-03.

gnomAD v4.1: 222 of 1,591,950 alleles (0.014%); highest among the groups gnomAD compares: Non-Finnish European, 0.019%; no homozygotes.

Submissions (2):

Labcorp Genetics (formerly Invitae), Labcorp
Classification: Uncertain significance. Last evaluated: 2024-06-03. Review status: criteria provided, single submitter. Criteria: Invitae Variant Classification Sherloc (09022015). Collection method: clinical testing. Allele origin: germline.
Comment: This sequence change replaces glycine, which is neutral and non-polar, with aspartic acid, which is acidic and polar, at codon 620 of the BICC1 protein (p.Gly620Asp). This variant is present in population databases (rs770410935, gnomAD 0.01%). This variant has not been reported in the literature in individuals affected with BICC1-related conditions. ClinVar contains an entry for this variant (Variation ID: 2397980). An algorithm developed to predict the effect of missense changes on protein structure and function (PolyPhen-2) suggests that this variant is likely to be disruptive. In summary, the available evidence is currently insufficient to determine the role of this variant in disease. Therefore, it has been classified as a Variant of Uncertain Significance.

Ambry Genetics
Classification: Uncertain significance. Last evaluated: 2022-01-19. Review status: criteria provided, single submitter. Criteria: Ambry Variant Classification Scheme 2023. Collection method: clinical testing. Allele origin: germline.